The following is an entry in ClinVar:

ClinVar aggregate classification (germline): Uncertain significance (1 of 4 stars; one submission).

Conditions:
MHC class I deficiency. Identifiers: Orphanet 34592, MedGen C6024714, MONDO:0011476.

gnomAD v4.1: 1 of 1,613,800 alleles (0.000062%); highest among the groups gnomAD compares: Non-Finnish European, 0.000085%; no homozygotes.

Submission:

Labcorp Genetics (formerly Invitae), Labcorp
Classification: Uncertain significance for MHC class I deficiency 1. Last evaluated: 2024-12-20. Review status: criteria provided, single submitter. Criteria: Invitae Variant Classification Sherloc (09022015). Collection method: clinical testing. Allele origin: germline.
Comment: This sequence change replaces cysteine, which is neutral and slightly polar, with phenylalanine, which is neutral and non-polar, at codon 27 of the TAPBP protein (p.Cys27Phe). This variant is present in population databases (rs779083533, gnomAD 0.0009%). This variant has not been reported in the literature in individuals affected with TAPBP-related conditions. An algorithm developed to predict the effect of missense changes on protein structure and function (PolyPhen-2) suggests that this variant is likely to be disruptive. In summary, the available evidence is currently insufficient to determine the role of this variant in disease. Therefore, it has been classified as a Variant of Uncertain Significance.

NM_003190.5(TAPBP):c.80G>T (p.Cys27Phe)

Gene: TAPBP (TAP binding protein; minus strand). Cytogenetic location: 6p21.32.
Variant type: single nucleotide variant.
Coding change: c.80G>T on transcript NM_003190.5 (MANE Select); coding-DNA position 80, G replaced by T.
Protein change: p.Cys27Phe; replaces cysteine 27 with phenylalanine.
Molecular consequence: missense variant.
Genome position (GRCh38, 1-based): chr6:33,313,822, C>A on the plus strand (G>T on the coding strand, the complement: TAPBP is on the minus strand). VCF-style: chr6-33313822-C-A. GRCh37 (hg19) VCF-style: chr6-33281599-C-A.
Other names: c.80G>T, p.Cys27Phe (NM_172209.3, NM_001410875.1, NM_172208.3); short protein forms C27F.
Identifiers: ClinVar variation 3730798 (VCV003730798.2).